The following is an entry in ClinVar:

NM_001365088.1(SLC12A6):c.3361+297G>T

Gene: SLC12A6 (solute carrier family 12 member 6; minus strand). Cytogenetic location: 15q14.
Variant type: single nucleotide variant.
Coding change: c.3361+297G>T on transcript NM_001365088.1 (MANE Select); 297 bases into the intron after coding-DNA position 3361, G replaced by T.
Molecular consequence: intron variant.
Genome position (GRCh38, 1-based): chr15:34,234,884, C>A on the plus strand (G>T on the coding strand, the complement: SLC12A6 is on the minus strand). VCF-style: chr15-34234884-C-A. GRCh37 (hg19) VCF-style: chr15-34527085-C-A.
Other names: c.3184+297G>T (NM_001042495.2, NM_001042494.2); c.3334+297G>T (NM_001042496.2); c.3316+297G>T (NM_001042497.2); c.3361+297G>T (NM_133647.2); c.3208+297G>T (NM_005135.2).
Identifiers: ClinVar variation 669887 (VCV000669887.1), dbSNP rs73388020, ClinGen allele CA268657910.

ClinVar aggregate classification (germline): Benign (1 of 4 stars; one submission).

Allele frequency attached by ClinVar (database versions not stated): TOPMed 0.16635; 1000 Genomes Project 30x 0.20581; 1000 Genomes Project 0.21246.
gnomAD v4.1: 25,396 of 152,002 alleles (17%); highest among the groups gnomAD compares: East Asian, 31%; 2,204 homozygotes.

Submission:

GeneDx
Classification: Benign. Last evaluated: 2018-06-14. Review status: criteria provided, single submitter. Criteria: GeneDx Variant Classification (06012015). Collection method: clinical testing. Allele origin: germline. Affected: yes.
Comment: This variant is considered likely benign or benign based on one or more of the following criteria: it is a conservative change, it occurs at a poorly conserved position in the protein, it is predicted to be benign by multiple in silico algorithms, and/or has population frequency not consistent with disease.